The following is an entry in ClinVar:

ClinVar aggregate classification (germline): Uncertain significance (1 of 4 stars; one submission).

Conditions:
Insulin-dependent diabetes mellitus secretory diarrhea syndrome (IPEX). Also called: X-Linked Autoimmunity-Allergic Dysregulation Syndrome; Immune dysregulation-polyendocrinopathy-enteropathy-X-linked syndrome; IMMUNODEFICIENCY, POLYENDOCRINOPATHY, AND ENTEROPATHY, X-LINKED; IPEX and IPEX-Like; Immunodeficiency, Polyendocrinopathy, and Enteropathy X-Linked Syndrome; X-Linked Syndrome of Polyendocrinopathy, Immune Dysfunction, and Diarrhea. Identifiers: Orphanet 37042, MedGen C0342288, MONDO:0010580, OMIM 304790. Disease mechanism: loss of function.

Allele frequency attached by ClinVar (database versions not stated): TOPMed below 0.00001; ESP Exome Variant Server 0.00009.

Submission:

Labcorp Genetics (formerly Invitae), Labcorp
Classification: Uncertain significance for Insulin-dependent diabetes mellitus secretory diarrhea syndrome. Last evaluated: 2025-12-01. Review status: criteria provided, single submitter. Criteria: Invitae Variant Classification Sherloc (09022015). Collection method: clinical testing. Allele origin: germline.
Comment: This sequence change replaces proline, which is neutral and non-polar, with serine, which is neutral and polar, at codon 211 of the FOXP3 protein (p.Pro211Ser). This variant is not present in population databases (gnomAD no frequency). This variant has not been reported in the literature in individuals affected with FOXP3-related conditions. ClinVar contains an entry for this variant (Variation ID: 664422). Invitae Evidence Modeling of protein sequence and biophysical properties (such as structural, functional, and spatial information, amino acid conservation, physicochemical variation, residue mobility, and thermodynamic stability) indicates that this missense variant is not expected to disrupt FOXP3 protein function with a negative predictive value of 80%. In summary, the available evidence is currently insufficient to determine the role of this variant in disease. Therefore, it has been classified as a Variant of Uncertain Significance.

NM_014009.4(FOXP3):c.631C>T (p.Pro211Ser)

Gene: FOXP3 (forkhead box P3; minus strand). Cytogenetic location: Xp11.23.
Variant type: single nucleotide variant.
Coding change: c.631C>T on transcript NM_014009.4 (MANE Select); coding-DNA position 631, C replaced by T.
Protein change: p.Pro211Ser; replaces proline 211 with serine.
Molecular consequence: missense variant.
Genome position (GRCh38, 1-based): chrX:49,256,767, G>A on the plus strand (C>T on the coding strand, the complement: FOXP3 is on the minus strand). VCF-style: chrX-49256767-G-A. GRCh37 (hg19) VCF-style: chrX-49113224-G-A.
Other names: c.526C>T, p.Pro176Ser (NM_001114377.2); short protein forms P211S, P176S.
Identifiers: ClinVar variation 664422 (VCV000664422.8), dbSNP rs374109896, ClinGen allele CA329136562.